The following is an entry in ClinVar:

NM_006446.5(SLCO1B1):c.30A>G (p.Thr10=)

Gene: SLCO1B1 (solute carrier organic anion transporter family member 1B1; plus strand). Cytogenetic location: 12p12.1.
Variant type: single nucleotide variant.
Coding change: c.30A>G on transcript NM_006446.5 (MANE Select); coding-DNA position 30, A replaced by G.
Protein change: p.Thr10=; no amino-acid change (threonine 10 retained).
Molecular consequence: synonymous variant.
Genome position (GRCh38, 1-based): chr12:21,141,604, A>G. VCF-style: chr12-21141604-A-G. GRCh37 (hg19) VCF-style: chr12-21294538-A-G.
Identifiers: ClinVar variation 4980532 (VCV004980532.1).

ClinVar aggregate classification (germline): Likely benign (1 of 4 stars; one submission).

Conditions:
SLCO1B1-related disorder. Also called: SLCO1B1-related condition.

Submission:

PreventionGenetics, part of Exact Sciences
Classification: Likely benign for SLCO1B1-related condition. Last evaluated: 2024-12-30. Review status: criteria provided, single submitter. Criteria: ACMG Guidelines, 2015. Collection method: clinical testing. Allele origin: germline.
Comment: This variant is classified as likely benign based on ACMG/AMP sequence variant interpretation guidelines (Richards et al. 2015 PMID: 25741868, with internal and published modifications).